The following is an entry in ClinVar:

ClinVar aggregate classification (germline): Benign. Review status: criteria provided, multiple submitters, no conflicts (2 of 4 stars). 3 submissions from 3 submitters: Benign (2). 1 of the submissions does not count toward it. Last evaluated 2026-01-17.

Conditions:
EXPH5-related disorder. Also called: EXPH5-related condition.

Allele frequency attached by ClinVar (database versions not stated): gnomAD exomes 0.00064 and 0.00173; ExAC 0.00218; gnomAD 0.00684 and 0.00727; 1000 Genomes Project 0.00759; TOPMed 0.00761; ESP Exome Variant Server 0.00777; 1000 Genomes Project 30x 0.00859.

Submissions (3):

Labcorp Genetics (formerly Invitae), Labcorp
Classification: Benign. Last evaluated: 2026-01-17. Review status: criteria provided, single submitter. Criteria: Invitae Variant Classification Sherloc (09022015). Collection method: clinical testing. Allele origin: germline.

Breakthrough Genomics
Classification: Benign. Review status: criteria provided, single submitter. Criteria: ACMG Guidelines, 2015. Collection method: not provided. Allele origin: germline. Inheritance: Autosomal recessive inheritance. Affected: yes.

PreventionGenetics, part of Exact Sciences
Classification: Likely benign for EXPH5-related condition. Last evaluated: 2024-07-23. Review status: no assertion criteria provided. Collection method: clinical testing. Allele origin: germline. Not counted in ClinVar's aggregate classification.
Comment: This variant is classified as likely benign based on ACMG/AMP sequence variant interpretation guidelines (Richards et al. 2015 PMID: 25741868, with internal and published modifications).

NM_015065.3(EXPH5):c.3440T>C (p.Met1147Thr)

Gene: EXPH5 (exophilin 5; minus strand). Cytogenetic location: 11q22.3.
Variant type: single nucleotide variant.
Coding change: c.3440T>C on transcript NM_015065.3 (MANE Select); coding-DNA position 3440, T replaced by C.
Protein change: p.Met1147Thr; replaces methionine 1147 with threonine.
Molecular consequence: missense variant.
Genome position (GRCh38, 1-based): chr11:108,512,067, A>G on the plus strand (T>C on the coding strand, the complement: EXPH5 is on the minus strand). VCF-style: chr11-108512067-A-G. GRCh37 (hg19) VCF-style: chr11-108382794-A-G.
Other names: c.3212T>C, p.Met1071Thr (NM_001144763.2); c.2972T>C, p.Met991Thr (NM_001144764.2); c.2876T>C, p.Met959Thr (NM_001144765.2); c.3419T>C, p.Met1140Thr (NM_001308019.2); short protein forms M1071T, M1140T, M1147T, M959T, M991T.
Identifiers: ClinVar variation 790107 (VCV000790107.11), dbSNP rs62000364, ClinGen allele CA6267701.